The following is an entry in ClinVar:

NM_015272.5(RPGRIP1L):c.1478G>A (p.Arg493His)

Gene: RPGRIP1L (RPGRIP1 like; minus strand). Cytogenetic location: 16q12.2.
Variant type: single nucleotide variant.
Coding change: c.1478G>A on transcript NM_015272.5 (MANE Select); coding-DNA position 1478, G replaced by A.
Protein change: p.Arg493His; replaces arginine 493 with histidine.
Molecular consequence: missense variant.
Genome position (GRCh38, 1-based): chr16:53,657,556, C>T on the plus strand (G>A on the coding strand, the complement: RPGRIP1L is on the minus strand). VCF-style: chr16-53657556-C-T. GRCh37 (hg19) VCF-style: chr16-53691468-C-T.
Other names: c.1478G>A, p.Arg493His (NM_001127897.4, NM_001308334.3, NM_001330538.2); short protein forms R493H.
Identifiers: ClinVar variation 4988730 (VCV004988730.1).

ClinVar aggregate classification (germline): Uncertain significance (1 of 4 stars; one submission).

Conditions:
RPGRIP1L-related disorder. Also called: RPGRIP1L-related disorders; RPGRIP1L-related condition. Identifiers: MedGen CN239416.

Submission:

PreventionGenetics, part of Exact Sciences
Classification: Uncertain significance for RPGRIP1L-related condition. Last evaluated: 2026-02-17. Review status: criteria provided, single submitter. Criteria: ACMG Guidelines, 2015. Collection method: clinical testing. Allele origin: germline.
Comment: The RPGRIP1L c.1478G>A variant is predicted to result in the amino acid substitution p.Arg493His. To our knowledge, this variant has not been reported in the literature. This variant is reported in 0.0062% of alleles in individuals of African descent in gnomAD. At this time, the clinical significance of this variant is uncertain due to the absence of conclusive functional and genetic evidence.